The following is an entry in ClinVar:

NM_022772.4(EPS8L2):c.853C>G (p.Gln285Glu)

Gene: EPS8L2 (EPS8 signaling adaptor L2; plus strand). Cytogenetic location: 11p15.5.
Variant type: single nucleotide variant.
Coding change: c.853C>G on transcript NM_022772.4 (MANE Select); coding-DNA position 853, C replaced by G.
Protein change: p.Gln285Glu; replaces glutamine 285 with glutamic acid.
Molecular consequence: missense variant.
Genome position (GRCh38, 1-based): chr11:721,649, C>G. VCF-style: chr11-721649-C-G. GRCh37 (hg19) VCF-style: chr11-721649-C-G.
Other names: short protein forms Q285E.
Identifiers: ClinVar variation 2580604 (VCV002580604.2), dbSNP rs202056992, ClinGen allele CA378969290.
Genomic context (GRCh38, chr11:721,649, plus strand): 5'-GACATCGAGTGGTTTGTGGCCCGGCTGCAGAAGGCAGCCGAGGCTTTCAAGCAGCTGAAC[C>G]AGCGGAAAAAGGGGAAGAAGAAGGGCAAGAAGGCGCCAGCAGGTGCAGGGGACAGGGACG-3'
Protein context (NP_073609.2, residues 275-295): KAAEAFKQLN[Gln285Glu]RKKGKKKGKK

ClinVar aggregate classification (germline): Uncertain significance. Review status: criteria provided, multiple submitters, no conflicts (2 of 4 stars). 2 submissions from 2 submitters: Uncertain significance (2). Last evaluated 2026-04-07.

gnomAD v4.1: 6 of 1,584,726 alleles (0.00038%); highest among the groups gnomAD compares: Middle Eastern, 0.017%; no homozygotes.

Submissions (2):

GeneDx
Classification: Uncertain significance. Last evaluated: 2026-04-07. Review status: criteria provided, single submitter. Criteria: GeneDx Variant Classification Process June 2021. Collection method: clinical testing. Allele origin: germline.
Comment: Not observed at significant frequency in large population cohorts (gnomAD); In silico analysis suggests that this missense variant does not alter protein structure/function; Has not been previously published as pathogenic or benign to our knowledge

Blueprint Genetics
Classification: Uncertain significance. Last evaluated: 2024-06-11. Review status: criteria provided, single submitter. Criteria: ACMG Guidelines, 2015. Collection method: clinical testing. Allele origin: germline.